The following is an entry in ClinVar:

ClinVar aggregate classification (germline): Uncertain significance (1 of 4 stars; one submission).

gnomAD v4.1: 34 of 1,550,912 alleles (0.0022%); highest among the groups gnomAD compares: South Asian, 0.0059%; no homozygotes.

Submission:

Mayo Clinic Laboratories, Mayo Clinic
Classification: Uncertain significance. Last evaluated: 2024-04-26. Review status: criteria provided, single submitter. Criteria: ACMG Guidelines, 2015. Collection method: clinical testing. Allele origin: germline. Observed: 2 variant alleles.
Comment: BP4

NM_005560.6(LAMA5):c.1279C>T (p.Arg427Cys)

Gene: LAMA5 (laminin subunit alpha 5; minus strand). Cytogenetic location: 20q13.33.
Variant type: single nucleotide variant.
Coding change: c.1279C>T on transcript NM_005560.6 (MANE Select); coding-DNA position 1279, C replaced by T.
Protein change: p.Arg427Cys; replaces arginine 427 with cysteine.
Molecular consequence: missense variant.
Genome position (GRCh38, 1-based): chr20:62,346,509, G>A on the plus strand (C>T on the coding strand, the complement: LAMA5 is on the minus strand). VCF-style: chr20-62346509-G-A. GRCh37 (hg19) VCF-style: chr20-60921565-G-A.
Other names: p.Arg427Cys; short protein forms R427C.
Identifiers: ClinVar variation 3380675 (VCV003380675.1).
Genomic context (GRCh38, chr20:62,346,509, plus strand): 5'-ACCTCTTTCCAGGCAGACCCTGAGACCCAGGACACCCGCCCAGCTGAGCCCACTCACGGC[G>A]GCAGACGTGGGGCGAGTCGAGAGGGTGGTTGGGAGAGCGGTAGAAGCCGGGCAGGCAGCG-3'
Protein context (NP_005551.3, residues 417-437): NHPLDSPHVC[Arg427Cys]RCNCESDFTD